The following is an entry in ClinVar:

ClinVar aggregate classification (germline): Uncertain significance. Review status: criteria provided, multiple submitters, no conflicts (2 of 4 stars). 2 submissions from 2 submitters: Uncertain significance (2). Last evaluated 2025-03-23.

Conditions:
Coffin-Siris syndrome 1 (CSS1). Also called: ARID1B-Related Coffin-Siris Syndrome; Mental retardation, autosomal dominant 12. Identifiers: Orphanet 1465, MedGen C3281201, MONDO:0007617, OMIM 135900. Disease mechanism: gain of function.

Allele frequency attached by ClinVar (database versions not stated): gnomAD exomes below 0.00001; gnomAD 0.00001; TOPMed 0.00001.
gnomAD v4.1: 3 of 1,248,818 alleles (0.00024%); highest among the groups gnomAD compares: Admixed American, 0.0084%; no homozygotes.

Submissions (2):

Labcorp Genetics (formerly Invitae), Labcorp
Classification: Uncertain significance. Last evaluated: 2025-03-23. Review status: criteria provided, single submitter. Criteria: Invitae Variant Classification Sherloc (09022015). Collection method: clinical testing. Allele origin: germline.
Comment: This sequence change replaces glycine, which is neutral and non-polar, with valine, which is neutral and non-polar, at codon 401 of the ARID1B protein (p.Gly401Val). The frequency data for this variant in the population databases is considered unreliable, as metrics indicate insufficient coverage at this position in the gnomAD database. This variant has not been reported in the literature in individuals affected with ARID1B-related conditions. ClinVar contains an entry for this variant (Variation ID: 2439171). Invitae Evidence Modeling of protein sequence and biophysical properties (such as structural, functional, and spatial information, amino acid conservation, physicochemical variation, residue mobility, and thermodynamic stability) indicates that this missense variant is not expected to disrupt ARID1B protein function with a negative predictive value of 95%. In summary, the available evidence is currently insufficient to determine the role of this variant in disease. Therefore, it has been classified as a Variant of Uncertain Significance.

Revvity Omics, Revvity
Classification: Uncertain significance for Coffin-Siris syndrome 1. Last evaluated: 2021-06-03. Review status: criteria provided, single submitter. Criteria: ACMG Guidelines, 2015. Collection method: clinical testing. Allele origin: germline.

NM_001374828.1(ARID1B):c.1451G>T (p.Gly484Val)

Gene: ARID1B (AT-rich interaction domain 1B; plus strand). Cytogenetic location: 6q25.3.
Variant type: single nucleotide variant.
Coding change: c.1451G>T on transcript NM_001374828.1 (MANE Select); coding-DNA position 1451, G replaced by T.
Protein change: p.Gly484Val; replaces glycine 484 with valine.
Molecular consequence: missense variant.
Genome position (GRCh38, 1-based): chr6:156,779,131, G>T. VCF-style: chr6-156779131-G-T. GRCh37 (hg19) VCF-style: chr6-157100265-G-T.
Other names: c.1202G>T, p.Gly401Val (NM_001346813.1, NM_020732.3); c.1451G>T, p.Gly484Val (NM_001371656.1, NM_001374820.1, NM_017519.3); c.1028G>T, p.Gly343Val (NM_175863.2); short protein forms G343V, G401V, G484V.
Identifiers: ClinVar variation 2439171 (VCV002439171.5), dbSNP rs1442638389, ClinGen allele CA366384429.